The following is an entry in ClinVar:

NM_000435.3(NOTCH3):c.2402G>A (p.Gly801Asp)

Gene: NOTCH3 (notch receptor 3; minus strand). Cytogenetic location: 19p13.12.
Variant type: single nucleotide variant.
Coding change: c.2402G>A on transcript NM_000435.3 (MANE Select); coding-DNA position 2402, G replaced by A.
Protein change: p.Gly801Asp; replaces glycine 801 with aspartic acid.
Molecular consequence: missense variant.
Genome position (GRCh38, 1-based): chr19:15,184,914, C>T on the plus strand (G>A on the coding strand, the complement: NOTCH3 is on the minus strand). VCF-style: chr19-15184914-C-T. GRCh37 (hg19) VCF-style: chr19-15295725-C-T.
Other names: short protein forms G801D.
Identifiers: ClinVar variation 4871975 (VCV004871975.2).

ClinVar aggregate classification (germline): Uncertain significance (1 of 4 stars; one submission).

Submission:

CeGaT Center for Human Genetics Tuebingen
Classification: Uncertain significance. Last evaluated: 2026-06-01. Review status: criteria provided, single submitter. Criteria: CeGaT Center For Human Genetics Tuebingen Variant Classification Criteria Version 2. Collection method: clinical testing. Allele origin: germline. Affected: yes. Observed: 1 variant allele.
Comment: NOTCH3: PM2, PP3